The following is an entry in ClinVar:

NM_002047.4(GARS1):c.1000A>G (p.Ile334Val)

Gene: GARS1 (glycyl-tRNA synthetase 1; plus strand). Cytogenetic location: 7p14.3.
Variant type: single nucleotide variant.
Coding change: c.1000A>G on transcript NM_002047.4 (MANE Select); coding-DNA position 1000, A replaced by G.
Protein change: p.Ile334Val; replaces isoleucine 334 with valine.
Molecular consequence: missense variant.
Genome position (GRCh38, 1-based): chr7:30,612,214, A>G. VCF-style: chr7-30612214-A-G. GRCh37 (hg19) VCF-style: chr7-30651830-A-G.
Other names: c.838A>G, p.Ile280Val (NM_001316772.1); short protein forms I280V, I334V.
Identifiers: ClinVar variation 1063149 (VCV001063149.7), dbSNP rs1554338260, ClinGen allele CA367125512.

ClinVar aggregate classification (germline): Uncertain significance (1 of 4 stars; one submission).

Conditions:
Charcot-Marie-Tooth disease type 2. Also called: Charcot-Marie-Tooth type 2. Identifiers: Orphanet 64746, MedGen C0270914, MONDO:0018993.

Allele frequency attached by ClinVar (database versions not stated): gnomAD 0.00001; gnomAD exomes 0.00001; TOPMed below 0.00001.
gnomAD v4.1: 6 of 1,614,004 alleles (0.00037%); highest among the groups gnomAD compares: Non-Finnish European, 0.00051%; no homozygotes.

Submission:

Labcorp Genetics (formerly Invitae), Labcorp
Classification: Uncertain significance for Charcot-Marie-Tooth disease type 2. Last evaluated: 2022-08-16. Review status: criteria provided, single submitter. Criteria: Invitae Variant Classification Sherloc (09022015). Collection method: clinical testing. Allele origin: germline.
Comment: This variant has not been reported in the literature in individuals affected with GARS-related conditions. This variant is not present in population databases (gnomAD no frequency). ClinVar contains an entry for this variant (Variation ID: 1063149). This sequence change replaces isoleucine, which is neutral and non-polar, with valine, which is neutral and non-polar, at codon 334 of the GARS protein (p.Ile334Val). In summary, the available evidence is currently insufficient to determine the role of this variant in disease. Therefore, it has been classified as a Variant of Uncertain Significance. This variant disrupts the p.Ile334 amino acid residue in GARS. Other variant(s) that disrupt this residue have been determined to be pathogenic (PMID: 17101916, 24604904, 25168514). This suggests that this residue is clinically significant, and that variants that disrupt this residue are likely to be disease-causing. Algorithms developed to predict the effect of missense changes on protein structure and function (SIFT, PolyPhen-2, Align-GVGD) all suggest that this variant is likely to be disruptive.

Literature cited by the submitters: PubMed 17101916; PubMed 24604904; PubMed 25168514.